The following is an entry in ClinVar:

ClinVar aggregate classification (germline): Uncertain significance (1 of 4 stars; one submission).

Submission:

GeneDx
Classification: Uncertain significance. Last evaluated: 2019-11-26. Review status: criteria provided, single submitter. Criteria: GeneDx Variant Classification Process June 2021. Collection method: clinical testing. Allele origin: germline. Affected: yes.
Comment: Not observed in large population cohorts (Lek et al., 2016); In silico analysis, which includes protein predictors and evolutionary conservation, supports a deleterious effect; Has not been previously published as pathogenic or benign to our knowledge

NM_182641.4(BPTF):c.6242C>T (p.Pro2081Leu)

Gene: BPTF (bromodomain PHD finger transcription factor; plus strand). Cytogenetic location: 17q24.2.
Variant type: single nucleotide variant.
Coding change: c.6242C>T on transcript NM_182641.4 (MANE Select); coding-DNA position 6242, C replaced by T.
Protein change: p.Pro2081Leu; replaces proline 2081 with leucine.
Molecular consequence: missense variant.
Genome position (GRCh38, 1-based): chr17:67,932,002, C>T. VCF-style: chr17-67932002-C-T. GRCh37 (hg19) VCF-style: chr17-65928118-C-T.
Other names: c.6620C>T, p.Pro2207Leu (NM_004459.7); short protein forms P2081L, P2207L.
Identifiers: ClinVar variation 1303731 (VCV001303731.2), dbSNP rs2147548518, ClinGen allele CA400718854.